The following is an entry in ClinVar:

ClinVar aggregate classification (germline): Likely benign. Review status: criteria provided, multiple submitters, no conflicts (2 of 4 stars). 2 submissions from 2 submitters: Likely benign (2). Last evaluated 2026-07-01.

Conditions:
Inborn genetic diseases. Identifiers: MedGen C0950123, MeSH D030342.

Submissions (2):

CeGaT Center for Human Genetics Tuebingen
Classification: Likely benign. Last evaluated: 2026-07-01. Review status: criteria provided, single submitter. Criteria: CeGaT Center For Human Genetics Tuebingen Variant Classification Criteria Version 2. Collection method: clinical testing. Allele origin: germline. Affected: yes. Observed: 1 variant allele.
Comment: ZNF148: BP4, BP7

Ambry Genetics
Classification: Likely benign for Inborn genetic diseases. Last evaluated: 2024-08-05. Review status: criteria provided, single submitter. Criteria: Ambry Variant Classification Scheme 2023. Collection method: clinical testing. Allele origin: germline.

NM_021964.3(ZNF148):c.1143G>A (p.Ala381=)

Gene: ZNF148 (zinc finger protein 148; minus strand). Cytogenetic location: 3q21.2.
Variant type: single nucleotide variant.
Coding change: c.1143G>A on transcript NM_021964.3 (MANE Select); coding-DNA position 1143, G replaced by A.
Protein change: p.Ala381=; no amino-acid change (alanine 381 retained).
Molecular consequence: synonymous variant.
Genome position (GRCh38, 1-based): chr3:125,233,583, C>T on the plus strand (G>A on the coding strand, the complement: ZNF148 is on the minus strand). VCF-style: chr3-125233583-C-T. GRCh37 (hg19) VCF-style: chr3-124952427-C-T.
Other names: c.1143G>A, p.Ala381= (NM_001348424.1, NM_001348425.2, NM_001348426.2 and 7 more transcripts); c.1017G>A, p.Ala339= (NM_001348434.2).
Identifiers: ClinVar variation 3474334 (VCV003474334.2).